The following is an entry in ClinVar:

NM_001429.4(EP300):c.3142+10T>C

Genes: EP300 (EP300 lysine acetyltransferase; plus strand), LOC126863158 (BRD4-independent group 4 enhancer GRCh37_chr22:41547383-41548582; plus strand). Cytogenetic location: 22q13.2.
Variant type: single nucleotide variant.
Coding change: c.3142+10T>C on transcript NM_001429.4 (MANE Select); 10 bases into the intron after coding-DNA position 3142, T replaced by C.
Molecular consequence: intron variant.
Genome position (GRCh38, 1-based): chr22:41,152,360, T>C. VCF-style: chr22-41152360-T-C. GRCh37 (hg19) VCF-style: chr22-41548364-T-C.
Other names: c.3064+10T>C (NM_001362843.2).
Identifiers: ClinVar variation 4991198 (VCV004991198.1).

ClinVar aggregate classification (germline): Uncertain significance (1 of 4 stars; one submission).

Conditions:
EP300-related disorder. Also called: EP300-related condition; EP300-related disorders.

gnomAD v4.1: 2 of 1,611,216 alleles (0.00012%); highest among the groups gnomAD compares: East Asian, 0.0022%; no homozygotes.

Submission:

PreventionGenetics, part of Exact Sciences
Classification: Uncertain significance for EP300-related condition. Last evaluated: 2025-11-06. Review status: criteria provided, single submitter. Criteria: ACMG Guidelines, 2015. Collection method: clinical testing. Allele origin: germline.
Comment: The EP300 c.3142+10T>C variant is predicted to interfere with splicing. This variant is predicted to alter splicing based on available splicing prediction programs (SpliceAI, Jaganathan et al. 2019. PubMed ID: 30661751). To our knowledge, this variant has not been reported in the literature. This variant is reported in 0.0030% of alleles in individuals of Latino descent in gnomAD. However, the use of computer prediction programs is not equivalent to functional evidence, and therefore the clinical significance of this variant is uncertain.